The following is an entry in ClinVar:

ClinVar aggregate classification (germline): Likely benign (1 of 4 stars; one submission).

Allele frequency attached by ClinVar (database versions not stated): 1000 Genomes Project 0.00819; 1000 Genomes Project 30x 0.00859; gnomAD 0.01466 and 0.01468; TOPMed 0.01622.
gnomAD v4.1: 2,254 of 152,302 alleles (1.5%); highest among the groups gnomAD compares: Middle Eastern, 2.4%; 24 homozygotes.

Submission:

GeneDx
Classification: Likely benign. Last evaluated: 2018-06-14. Review status: criteria provided, single submitter. Criteria: GeneDx Variant Classification (06012015). Collection method: clinical testing. Allele origin: germline. Affected: yes.
Comment: This variant is considered likely benign or benign based on one or more of the following criteria: it is a conservative change, it occurs at a poorly conserved position in the protein, it is predicted to be benign by multiple in silico algorithms, and/or has population frequency not consistent with disease.

NM_001232.4(CASQ2):c.939+190G>A

Gene: CASQ2 (calsequestrin 2; minus strand). Cytogenetic location: 1p13.1.
Variant type: single nucleotide variant.
Coding change: c.939+190G>A on transcript NM_001232.4 (MANE Select); 190 bases into the intron after coding-DNA position 939, G replaced by A.
Molecular consequence: intron variant.
Genome position (GRCh38, 1-based): chr1:115,705,002, C>T on the plus strand (G>A on the coding strand, the complement: CASQ2 is on the minus strand). VCF-style: chr1-115705002-C-T. GRCh37 (hg19) VCF-style: chr1-116247623-C-T.
Identifiers: ClinVar variation 675521 (VCV000675521.1), dbSNP rs72703606, ClinGen allele CA29614317.